The following is an entry in ClinVar:

NM_017617.5(NOTCH1):c.6620A>G (p.His2207Arg)

Gene: NOTCH1 (notch receptor 1; minus strand). Cytogenetic location: 9q34.3.
Variant type: single nucleotide variant.
Coding change: c.6620A>G on transcript NM_017617.5 (MANE Select); coding-DNA position 6620, A replaced by G.
Protein change: p.His2207Arg; replaces histidine 2207 with arginine.
Molecular consequence: missense variant.
Genome position (GRCh38, 1-based): chr9:136,497,119, T>C on the plus strand (A>G on the coding strand, the complement: NOTCH1 is on the minus strand). VCF-style: chr9-136497119-T-C. GRCh37 (hg19) VCF-style: chr9-139391571-T-C.
Other names: c.6620A>G (NM_017617.3); short protein forms H2207R.
Identifiers: ClinVar variation 2963756 (VCV002963756.4), dbSNP rs1842929432, ClinGen allele CA375631063.

ClinVar aggregate classification (germline): Uncertain significance. Review status: criteria provided, multiple submitters, no conflicts (2 of 4 stars). 2 submissions from 2 submitters: Uncertain significance (2). Last evaluated 2025-05-24.

Conditions:
Adams-Oliver syndrome 5 (AOS5). Identifiers: Orphanet 974, MedGen C4014970, MONDO:0014459, OMIM 616028.
Familial thoracic aortic aneurysm and aortic dissection (TAAD). Also called: Thoracic aortic aneurysms and dissections. Identifiers: Orphanet 91387, MedGen C4707243, MONDO:0019625.

Allele frequency attached by ClinVar (database versions not stated): TOPMed below 0.00001.

Submissions (2):

Ambry Genetics
Classification: Uncertain significance for Familial thoracic aortic aneurysm and aortic dissection. Last evaluated: 2025-05-24. Review status: criteria provided, single submitter. Criteria: Ambry Variant Classification Scheme 2023. Collection method: clinical testing. Allele origin: germline.
Comment: The p.H2207R variant (also known as c.6620A>G), located in coding exon 34 of the NOTCH1 gene, results from an A to G substitution at nucleotide position 6620. The histidine at codon 2207 is replaced by arginine, an amino acid with highly similar properties. This amino acid position is conserved. In addition, this alteration is predicted to be tolerated by in silico analysis. Based on the available evidence, the clinical significance of this variant remains unclear.

Labcorp Genetics (formerly Invitae), Labcorp
Classification: Uncertain significance for Adams-Oliver syndrome 5. Last evaluated: 2025-04-11. Review status: criteria provided, single submitter. Criteria: Invitae Variant Classification Sherloc (09022015). Collection method: clinical testing. Allele origin: germline.
Comment: This sequence change replaces histidine, which is basic and polar, with arginine, which is basic and polar, at codon 2207 of the NOTCH1 protein (p.His2207Arg). This variant is not present in population databases (gnomAD no frequency). This variant has not been reported in the literature in individuals affected with NOTCH1-related conditions. ClinVar contains an entry for this variant (Variation ID: 2963756). Invitae Evidence Modeling of protein sequence and biophysical properties (such as structural, functional, and spatial information, amino acid conservation, physicochemical variation, residue mobility, and thermodynamic stability) indicates that this missense variant is not expected to disrupt NOTCH1 protein function with a negative predictive value of 95%. In summary, the available evidence is currently insufficient to determine the role of this variant in disease. Therefore, it has been classified as a Variant of Uncertain Significance.